The following is an entry in ClinVar:

NM_017780.4(CHD7):c.2198C>T (p.Pro733Leu)

Gene: CHD7 (chromodomain helicase DNA binding protein 7; plus strand). Cytogenetic location: 8q12.2.
Variant type: single nucleotide variant.
Coding change: c.2198C>T on transcript NM_017780.4 (MANE Select); coding-DNA position 2198, C replaced by T.
Protein change: p.Pro733Leu; replaces proline 733 with leucine.
Molecular consequence: missense variant. On other transcripts: intron variant (1).
Genome position (GRCh38, 1-based): chr8:60,795,087, C>T. VCF-style: chr8-60795087-C-T. GRCh37 (hg19) VCF-style: chr8-61707646-C-T.
Other names: c.1716+14037C>T (NM_001316690.1); short protein forms P733L.
Identifiers: ClinVar variation 2717580 (VCV002717580.4), dbSNP rs2487634841, ClinGen allele CA371296458.
Genomic context (GRCh38, chr8:60,795,087, plus strand): 5'-AGGTCAACAAGGGAAAAACAGAAGGTTCTGAAAATTCAGACTTAGACAAAACACCCCCAC[C>T]ATCTCCTCCTCCTGAAGAAGATGAGGACCCAGGTGTTCAGGTAATACAATTATTGTGATT-3'
Protein context (NP_060250.2, residues 723-743): ENSDLDKTPP[Pro733Leu]SPPPEEDEDP

ClinVar aggregate classification (germline): Uncertain significance. Review status: criteria provided, multiple submitters, no conflicts (2 of 4 stars). 2 submissions from 2 submitters: Uncertain significance (2). Last evaluated 2024-06-10.

Conditions:
CHARGE syndrome (CHARGE). Also called: Hittner Hirsch Kreh syndrome; CHARGE ASSOCIATION--COLOBOMA, HEART ANOMALY, CHOANAL ATRESIA, RETARDATION, GENITAL AND EAR ANOMALIES; Coloboma, heart anomaly, choanal atresia, retardation, genital and ear anomalies; CHARGE association; Hall-Hittner syndrome. Identifiers: Orphanet 138, MedGen C0265354, MONDO:0008965.

Allele frequency attached by ClinVar (database versions not stated): gnomAD exomes below 0.00001.
gnomAD v4.1: 1 of 1,613,768 alleles (0.000062%); highest among the groups gnomAD compares: East Asian, 0.0022%; no homozygotes.

Submissions (2):

GeneDx
Classification: Uncertain significance. Last evaluated: 2024-06-10. Review status: criteria provided, single submitter. Criteria: GeneDx Variant Classification Process June 2021. Collection method: clinical testing. Allele origin: germline. Affected: yes.
Comment: Not observed at significant frequency in large population cohorts (gnomAD); In silico analysis indicates that this missense variant does not alter protein structure/function; Has not been previously published as pathogenic or benign to our knowledge

Labcorp Genetics (formerly Invitae), Labcorp
Classification: Uncertain significance for CHARGE syndrome. Last evaluated: 2024-01-12. Review status: criteria provided, single submitter. Criteria: Invitae Variant Classification Sherloc (09022015). Collection method: clinical testing. Allele origin: germline.
Comment: This sequence change replaces proline, which is neutral and non-polar, with leucine, which is neutral and non-polar, at codon 733 of the CHD7 protein (p.Pro733Leu). This variant is not present in population databases (gnomAD no frequency). This variant has not been reported in the literature in individuals affected with CHD7-related conditions. Advanced modeling of protein sequence and biophysical properties (such as structural, functional, and spatial information, amino acid conservation, physicochemical variation, residue mobility, and thermodynamic stability) performed at Invitae indicates that this missense variant is not expected to disrupt CHD7 protein function with a negative predictive value of 95%. In summary, the available evidence is currently insufficient to determine the role of this variant in disease. Therefore, it has been classified as a Variant of Uncertain Significance.